The following is an entry in ClinVar:

ClinVar aggregate classification (germline): Uncertain significance (1 of 4 stars; one submission).

Conditions:
Tuberous sclerosis 2 (TSC2). Identifiers: Orphanet 805, MedGen C1860707, MONDO:0013199, OMIM 613254.

Submission:

Labcorp Genetics (formerly Invitae), Labcorp
Classification: Uncertain significance for Tuberous sclerosis 2. Last evaluated: 2024-04-26. Review status: criteria provided, single submitter. Criteria: Invitae Variant Classification Sherloc (09022015). Collection method: clinical testing. Allele origin: germline.
Comment: This sequence change falls in intron 20 of the TSC2 gene. It does not directly change the encoded amino acid sequence of the TSC2 protein. It affects a nucleotide within the consensus splice site. This variant is not present in population databases (gnomAD no frequency). This variant has not been reported in the literature in individuals affected with TSC2-related conditions. ClinVar contains an entry for this variant (Variation ID: 952721). Variants that disrupt the consensus splice site are a relatively common cause of aberrant splicing (PMID: 17576681, 9536098). Algorithms developed to predict the effect of sequence changes on RNA splicing suggest that this variant is not likely to affect RNA splicing. In summary, the available evidence is currently insufficient to determine the role of this variant in disease. Therefore, it has been classified as a Variant of Uncertain Significance.

Literature cited by the submitters: PubMed 17576681; PubMed 9536098.

NM_000548.5(TSC2):c.2220+4C>T

Gene: TSC2 (TSC complex subunit 2; plus strand). Cytogenetic location: 16p13.3.
Variant type: single nucleotide variant.
Coding change: c.2220+4C>T on transcript NM_000548.5 (MANE Select); 4 bases into the intron after coding-DNA position 2220, C replaced by T.
Molecular consequence: intron variant.
Genome position (GRCh38, 1-based): chr16:2,072,367, C>T. VCF-style: chr16-2072367-C-T. GRCh37 (hg19) VCF-style: chr16-2122368-C-T.
Other names: c.2220+4C>T (NM_001114382.3, NM_021055.3, NM_001370405.1 and 3 more transcripts); c.2109+4C>T (NM_001318827.2); c.1620+4C>T (NM_001318831.2); c.2073+4C>T (NM_001318829.2); c.2253+4C>T (NM_001318832.2).
Identifiers: ClinVar variation 952721 (VCV000952721.9), dbSNP rs781186613, ClinGen allele CA1139664310.